The following is an entry in ClinVar:

NM_004006.3(DMD):c.1912C>A (p.Gln638Lys)

Gene: DMD (dystrophin; minus strand). Cytogenetic location: Xp21.1.
Variant type: single nucleotide variant.
Coding change: c.1912C>A on transcript NM_004006.3 (MANE Select); coding-DNA position 1912, C replaced by A.
Protein change: p.Gln638Lys; replaces glutamine 638 with lysine.
Molecular consequence: missense variant.
Genome position (GRCh38, 1-based): chrX:32,565,782, G>T on the plus strand (C>A on the coding strand, the complement: DMD is on the minus strand). VCF-style: chrX-32565782-G-T. GRCh37 (hg19) VCF-style: chrX-32583899-G-T.
Other names: c.1888C>A, p.Gln630Lys (NM_000109.4); c.1900C>A, p.Gln634Lys (NM_004009.3); c.1543C>A, p.Gln515Lys (NM_004010.3); short protein forms Q515K, Q638K, Q630K, Q634K.
Identifiers: ClinVar variation 3634858 (VCV003634858.2).
Genomic context (GRCh38, chrX:32,565,782, plus strand): 5'-GTTTTTGGACTAAATTATCCCAACACCGGGCAAAGTTATCCAGCCATGCTTCCGTCTTCT[G>T]GGTCACTGACTTATTCTTCAGTGTTGAAAGAAGATCTTGTTTGAGTGAATACAGTTTGCC-3'
Protein context (NP_003997.2, residues 628-648): LSTLKNKSVT[Gln638Lys]KTEAWLDNFA

ClinVar aggregate classification (germline): Uncertain significance (1 of 4 stars; one submission).

Conditions:
Duchenne muscular dystrophy (DMD). Also called: MUSCULAR DYSTROPHY, PSEUDOHYPERTROPHIC PROGRESSIVE, DUCHENNE TYPE; Duchenne Muscular Dystrophy (DMD). Identifiers: Orphanet 98896, MedGen C0013264, MONDO:0010679, OMIM 310200.

Submission:

Labcorp Genetics (formerly Invitae), Labcorp
Classification: Uncertain significance for Duchenne muscular dystrophy. Last evaluated: 2024-03-07. Review status: criteria provided, single submitter. Criteria: Invitae Variant Classification Sherloc (09022015). Collection method: clinical testing. Allele origin: germline.
Comment: This sequence change replaces glutamine, which is neutral and polar, with lysine, which is basic and polar, at codon 638 of the DMD protein (p.Gln638Lys). This variant is not present in population databases (gnomAD no frequency). This variant has not been reported in the literature in individuals affected with DMD-related conditions. Advanced modeling of protein sequence and biophysical properties (such as structural, functional, and spatial information, amino acid conservation, physicochemical variation, residue mobility, and thermodynamic stability) performed at Invitae indicates that this missense variant is not expected to disrupt DMD protein function with a negative predictive value of 95%. In summary, the available evidence is currently insufficient to determine the role of this variant in disease. Therefore, it has been classified as a Variant of Uncertain Significance.